The following is an entry in ClinVar:

NM_201384.3(PLEC):c.2743C>T (p.Arg915Cys)

Gene: PLEC (plectin; minus strand). Cytogenetic location: 8q24.3.
Variant type: single nucleotide variant.
Coding change: c.2743C>T on transcript NM_201384.3 (MANE Select); coding-DNA position 2743, C replaced by T.
Protein change: p.Arg915Cys; replaces arginine 915 with cysteine.
Molecular consequence: missense variant.
Genome position (GRCh38, 1-based): chr8:143,929,826, G>A on the plus strand (C>T on the coding strand, the complement: PLEC is on the minus strand). VCF-style: chr8-143929826-G-A. GRCh37 (hg19) VCF-style: chr8-145003994-G-A.
Other names: c.2824C>T, p.Arg942Cys (NM_000445.5); c.2701C>T, p.Arg901Cys (NM_201378.4); c.2677C>T, p.Arg893Cys (NM_201379.3); c.3154C>T, p.Arg1052Cys (NM_201380.4); c.2647C>T, p.Arg883Cys (NM_201381.3); c.2743C>T, p.Arg915Cys (NM_201382.4); c.2755C>T, p.Arg919Cys (NM_201383.3); c.2824C>T (NM_000445.3); short protein forms R919C, R1052C, R883C, R893C, R901C, R915C, R942C.
Identifiers: ClinVar variation 471561 (VCV000471561.10), dbSNP rs376236283, ClinGen allele CA4927350.

ClinVar aggregate classification (germline): Uncertain significance. Review status: criteria provided, multiple submitters, no conflicts (2 of 4 stars). 2 submissions from 2 submitters: Uncertain significance (2). Last evaluated 2026-01-12.

Conditions:
Epidermolysis bullosa simplex with nail dystrophy (EBS5D). Identifiers: MedGen C4225309, MONDO:0014661, OMIM 616487.
Epidermolysis bullosa simplex, Ogna type (EBS5A). Also called: Pidermolysis bullosa simplex 5A, Ogna type; EPIDERMOLYSIS BULLOSA SIMPLEX 5A, OGNA TYPE. Identifiers: Orphanet 79401, MedGen C0432317, MONDO:0007555, OMIM 131950.
Autosomal recessive limb-girdle muscular dystrophy type 2Q (LGMDR17). Also called: MUSCULAR DYSTROPHY, LIMB-GIRDLE, AUTOSOMAL RECESSIVE 17. Identifiers: Orphanet 254361, MedGen C3150989, MONDO:0013390, OMIM 613723.
Epidermolysis bullosa simplex 5C, with pyloric atresia (EBS5C). Also called: PLEC-Related Epidermolysis Bullosa with Pyloric Atresia; Epidermolysis bullosa simplex with pyloric atresia; PLEC1-Related Epidermolysis Bullosa with Pyloric Atresia. Identifiers: Orphanet 158684, MedGen C2677349, MONDO:0012807, OMIM 612138.
Epidermolysis bullosa simplex 5B, with muscular dystrophy (EBS5B). Also called: EPIDERMOLYSIS BULLOSA SIMPLEX AND LIMB-GIRDLE MUSCULAR DYSTROPHY; Epidermolysis bullosa simplex with muscular dystrophy. Identifiers: Orphanet 257, MedGen C2931072, MONDO:0009181, OMIM 226670.

Allele frequency attached by ClinVar (database versions not stated): TOPMed 0.00002; gnomAD 0.00003; gnomAD exomes 0.00005; ExAC 0.00006; ESP Exome Variant Server 0.00016.
gnomAD v4.1: 47 of 1,599,050 alleles (0.0029%); highest among the groups gnomAD compares: African/African-American, 0.0094%; no homozygotes.

Submissions (2):

Labcorp Genetics (formerly Invitae), Labcorp
Classification: Uncertain significance for Autosomal recessive limb-girdle muscular dystrophy type 2Q; Epidermolysis bullosa simplex, Ogna type; Epidermolysis bullosa simplex with nail dystrophy; Epidermolysis bullosa simplex 5C, with pyloric atresia; Epidermolysis bullosa simplex 5B, with muscular dystrophy. Last evaluated: 2026-01-12. Review status: criteria provided, single submitter. Criteria: Invitae Variant Classification Sherloc (09022015). Collection method: clinical testing. Allele origin: germline.
Comment: This sequence change replaces arginine, which is basic and polar, with cysteine, which is neutral and slightly polar, at codon 942 of the PLEC protein (p.Arg942Cys). This variant is present in population databases (rs376236283, gnomAD 0.007%). This variant has not been reported in the literature in individuals affected with PLEC-related conditions. ClinVar contains an entry for this variant (Variation ID: 471561). Invitae Evidence Modeling of protein sequence and biophysical properties (such as structural, functional, and spatial information, amino acid conservation, physicochemical variation, residue mobility, and thermodynamic stability) indicates that this missense variant is not expected to disrupt PLEC protein function with a negative predictive value of 80%. In summary, the available evidence is currently insufficient to determine the role of this variant in disease. Therefore, it has been classified as a Variant of Uncertain Significance.

Revvity Omics, Revvity
Classification: Uncertain significance. Last evaluated: 2019-12-03. Review status: criteria provided, single submitter. Criteria: ACMG Guidelines, 2015. Collection method: clinical testing. Allele origin: germline.